The following is an entry in ClinVar:

NM_001163435.3(TBCK):c.2659A>C (p.Thr887Pro)

Gene: TBCK (TBC1 domain containing kinase; minus strand). Cytogenetic location: 4q24.
Variant type: single nucleotide variant.
Coding change: c.2659A>C on transcript NM_001163435.3 (MANE Select); coding-DNA position 2659, A replaced by C.
Protein change: p.Thr887Pro; replaces threonine 887 with proline.
Molecular consequence: missense variant.
Genome position (GRCh38, 1-based): chr4:106,046,593, T>G on the plus strand (A>C on the coding strand, the complement: TBCK is on the minus strand). VCF-style: chr4-106046593-T-G. GRCh37 (hg19) VCF-style: chr4-106967750-T-G.
Other names: c.2659A>C, p.Thr887Pro (NM_001163436.4); c.2542A>C, p.Thr848Pro (NM_001163437.3); c.2143A>C, p.Thr715Pro (NM_001290768.2); c.2470A>C, p.Thr824Pro (NM_033115.5); short protein forms T848P, T824P, T887P, T715P.
Identifiers: ClinVar variation 1367336 (VCV001367336.5), dbSNP rs2149438741, ClinGen allele CA357971255.

ClinVar aggregate classification (germline): Uncertain significance (1 of 4 stars; one submission).

Submission:

Labcorp Genetics (formerly Invitae), Labcorp
Classification: Uncertain significance. Last evaluated: 2021-08-14. Review status: criteria provided, single submitter. Criteria: Invitae Variant Classification Sherloc (09022015). Collection method: clinical testing. Allele origin: germline.
Comment: This sequence change replaces threonine with proline at codon 887 of the TBCK protein (p.Thr887Pro). The threonine residue is moderately conserved and there is a small physicochemical difference between threonine and proline. This variant is not present in population databases (ExAC no frequency). This variant has not been reported in the literature in individuals affected with TBCK-related conditions. Algorithms developed to predict the effect of missense changes on protein structure and function are either unavailable or do not agree on the potential impact of this missense change (SIFT: "Deleterious"; PolyPhen-2: "Probably Damaging"; Align-GVGD: "Class C0"). In summary, the available evidence is currently insufficient to determine the role of this variant in disease. Therefore, it has been classified as a Variant of Uncertain Significance.